The following is an entry in ClinVar:

ClinVar aggregate classification (germline): Likely pathogenic. Review status: criteria provided, multiple submitters, no conflicts (2 of 4 stars). 4 submissions from 4 submitters: Likely pathogenic (4). Last evaluated 2026-05-13.

Conditions:
Hereditary cancer-predisposing syndrome. Also called: Tumor predisposition; Hereditary neoplastic syndrome; Neoplastic Syndromes, Hereditary; Hereditary Cancer Syndrome. Identifiers: Orphanet 140162, MedGen C0027672, MeSH D009386, MONDO:0015356.
Li-Fraumeni syndrome (LFS). Also called: Sarcoma family syndrome of Li and Fraumeni. Identifiers: Orphanet 524, MedGen C0085390, MONDO:0018875.
Familial cancer of breast. Also called: hereditary breast carcinoma; Hereditary breast cancer; BREAST CANCER, FAMILIAL. Identifiers: Orphanet 227535, MedGen C0346153, MONDO:0016419, OMIM 114480. Disease mechanism: loss of function.

Submissions (4):

Ambry Genetics
Classification: Likely pathogenic for Hereditary cancer-predisposing syndrome. Last evaluated: 2026-05-13. Review status: criteria provided, single submitter. Criteria: Ambry Variant Classification Scheme 2023. Collection method: clinical testing. Allele origin: germline.
Comment: The c.1259+1G>A intronic variant results from a G to A substitution one nucleotide after coding exon 10 of the CHEK2 gene. This variant is considered to be rare based on population cohorts in the Genome Aggregation Database (gnomAD). This nucleotide position is highly conserved in available vertebrate species. In silico splice site analysis predicts that this alteration will weaken the native splice donor site. Alterations that disrupt the canonical splice site are expected to cause aberrant splicing, resulting in an abnormal protein or a transcript that is subject to nonsense-mediated mRNA decay. As such, this alteration is classified as likely pathogenic.

Labcorp Genetics (formerly Invitae), Labcorp
Classification: Likely pathogenic for Familial cancer of breast. Last evaluated: 2024-08-27. Review status: criteria provided, single submitter. Criteria: Invitae Variant Classification Sherloc (09022015). Collection method: clinical testing. Allele origin: germline.
Comment: This sequence change affects a donor splice site in intron 11 of the CHEK2 gene. RNA analysis indicates that disruption of this splice site induces altered splicing and may result in an absent or altered protein product. This variant is not present in population databases (gnomAD no frequency). Disruption of this splice site has been observed in individual(s) with breast cancer (PMID: 30303537). ClinVar contains an entry for this variant (Variation ID: 496341). Studies have shown that disruption of this splice site results in skipping of exon 11 (also known as exon 10), and produces a non-functional protein and/or introduces a premature termination codon (PMID: 26506619). In summary, the currently available evidence indicates that the variant is pathogenic, but additional data are needed to prove that conclusively. Therefore, this variant has been classified as Likely Pathogenic.

Myriad Genetics, Inc.
Classification: Likely pathogenic for Familial cancer of breast. Last evaluated: 2023-06-28. Review status: criteria provided, single submitter. Criteria: Myriad Autosomal Dominant, Autosomal Recessive and X-Linked Classification Criteria (2023). Collection method: clinical testing. Allele origin: unknown.
Comment: This variant is considered likely pathogenic. This variant occurs within a consensus splice junction and is predicted to result in abnormal mRNA splicing of either an out-of-frame exon or an in-frame exon necessary for protein stability and/or normal function.

Women's Health and Genetics/Laboratory Corporation of America, LabCorp
Classification: Likely pathogenic for Li-Fraumeni syndrome. Last evaluated: 2016-04-18. Review status: criteria provided, single submitter. Criteria: LabCorp Variant Classification Summary - May 2015. Collection method: clinical testing. Allele origin: germline.
Comment: Variant summary: The c.1259+1G>A variant involves the alteration of a conserved nucleotide resulting in an intronic change. This variant is located at a position that is widely known to affect splicing and 5/5 splicing prediction programs via Alamut predict the complete loss of a splicing donor site. The variant is absent from the large, broad ExAC control population and has not, to our knowledge, been reported in affected individuals via publications and/or reputable databases/clinical laboratories; nor evaluated for functional impact by in vivo/vitro studies. Taken together, this variant has been classified as Likely Pathogenic until additional evidence becomes available.

Literature cited by the submitters: PubMed 26506619 (cited by Ambry Genetics and Labcorp Genetics (formerly Invitae), Labcorp); PubMed 30303537 (cited by Labcorp Genetics (formerly Invitae), Labcorp).

NM_007194.4(CHEK2):c.1259+1G>A

Gene: CHEK2 (checkpoint kinase 2; minus strand). Cytogenetic location: 22q12.1.
Variant type: single nucleotide variant.
Coding change: c.1259+1G>A on transcript NM_007194.4 (MANE Select); the canonical splice donor site of the intron after coding-DNA position 1259, G replaced by A.
Molecular consequence: splice donor variant.
Genome position (GRCh38, 1-based): chr22:28,695,709, C>T on the plus strand (G>A on the coding strand, the complement: CHEK2 is on the minus strand). VCF-style: chr22-28695709-C-T. GRCh37 (hg19) VCF-style: chr22-29091697-C-T.
Other names: c.596+1G>A (NM_001437942.1, NM_001257387.3); c.1058+1G>A (NM_001349956.3); c.1172+1G>A (NM_145862.3); c.1265+1G>A (NM_001438295.1); c.1352+1G>A (NM_001438293.1); c.1301+1G>A (NM_001438294.1); c.1388+1G>A (NM_001005735.3).
Identifiers: ClinVar variation 496341 (VCV000496341.18), dbSNP rs121908707, ClinGen allele CA411096478.
Genomic context (GRCh38, chr22:28,695,709, plus strand): 5'-CATTTGTGACTTCATCTAATCACCTCCTACCAGTCTGTGCAGCAATGAAAATATTTCTTA[C>T]CAGATAAAAAGAATAACTCCTAAACTCCAGCAGTCCACAGCACGGTTATACCCAGCAGTC-3'